The following is an entry in ClinVar:

NM_001142966.3(GREB1L):c.3146+5A>T

Gene: GREB1L (GREB1 like retinoic acid receptor coactivator; plus strand). Cytogenetic location: 18q11.1.
Variant type: single nucleotide variant.
Coding change: c.3146+5A>T on transcript NM_001142966.3 (MANE Select); 5 bases into the intron after coding-DNA position 3146, A replaced by T.
Molecular consequence: intron variant.
Genome position (GRCh38, 1-based): chr18:21,495,790, A>T. VCF-style: chr18-21495790-A-T. GRCh37 (hg19) VCF-style: chr18-19075751-A-T.
Other names: c.3275+5A>T (NM_001410867.1); c.2819+5A>T (NM_001410868.1).
Identifiers: ClinVar variation 3050973 (VCV003050973.3), dbSNP rs766588086, ClinGen allele CA8906556.

ClinVar aggregate classification (germline): Likely benign. Review status: criteria provided, single submitter (1 of 4 stars). 2 submissions from 2 submitters: Likely benign (1). 1 of the submissions does not count toward it. Last evaluated 2024-10-18.

Conditions:
GREB1L-related disorder. Also called: GREB1L-related condition.

Allele frequency attached by ClinVar (database versions not stated): gnomAD 0.00004; ExAC 0.00005.
gnomAD v4.1: 54 of 1,417,450 alleles (0.0038%); highest among the groups gnomAD compares: Non-Finnish European, 0.0048%; no homozygotes.

Submissions (2):

Blueprint Genetics
Classification: Likely benign. Last evaluated: 2024-10-18. Review status: criteria provided, single submitter. Criteria: ACMG Guidelines, 2015. Collection method: clinical testing. Allele origin: germline.

PreventionGenetics, part of Exact Sciences
Classification: Likely benign for GREB1L-related condition. Last evaluated: 2020-06-25. Review status: no assertion criteria provided. Collection method: clinical testing. Allele origin: germline. Not counted in ClinVar's aggregate classification.
Comment: This variant is classified as likely benign based on ACMG/AMP sequence variant interpretation guidelines (Richards et al. 2015 PMID: 25741868, with internal and published modifications).